The following is an entry in ClinVar:

NM_006306.4(SMC1A):c.2585T>C (p.Ile862Thr)

Gene: SMC1A (structural maintenance of chromosomes 1A; minus strand). Cytogenetic location: Xp11.22.
Variant type: single nucleotide variant.
Coding change: c.2585T>C on transcript NM_006306.4 (MANE Select); coding-DNA position 2585, T replaced by C.
Protein change: p.Ile862Thr; replaces isoleucine 862 with threonine.
Molecular consequence: missense variant.
Genome position (GRCh38, 1-based): chrX:53,396,595, A>G on the plus strand (T>C on the coding strand, the complement: SMC1A is on the minus strand). VCF-style: chrX-53396595-A-G. GRCh37 (hg19) VCF-style: chrX-53423515-A-G.
Other names: c.2519T>C, p.Ile840Thr (NM_001281463.1); short protein forms I862T, I840T.
Identifiers: ClinVar variation 2957912 (VCV002957912.3), dbSNP rs782302182, ClinGen allele CA10420413.

ClinVar aggregate classification (germline): Uncertain significance (1 of 4 stars; one submission).

Conditions:
Congenital muscular hypertrophy-cerebral syndrome (CDLS2). Also called: SMC1A-Related Cornelia de Lange Syndrome; Cornelia de Lange syndrome 2. Identifiers: Orphanet 199, MedGen C1802395, MONDO:0010370, OMIM 300590.

Allele frequency attached by ClinVar (database versions not stated): gnomAD exomes below 0.00001; ExAC 0.00001.
gnomAD v4.1: 2 of 1,209,525 alleles (0.00017%); highest among the groups gnomAD compares: Non-Finnish European, 0.00022%; no homozygotes.

Submission:

Labcorp Genetics (formerly Invitae), Labcorp
Classification: Uncertain significance for Congenital muscular hypertrophy-cerebral syndrome. Last evaluated: 2023-12-21. Review status: criteria provided, single submitter. Criteria: Invitae Variant Classification Sherloc (09022015). Collection method: clinical testing. Allele origin: germline.
Comment: This sequence change replaces isoleucine, which is neutral and non-polar, with threonine, which is neutral and polar, at codon 862 of the SMC1A protein (p.Ile862Thr). This variant is present in population databases (rs782302182, gnomAD 0.001%). This variant has not been reported in the literature in individuals affected with SMC1A-related conditions. Advanced modeling of protein sequence and biophysical properties (such as structural, functional, and spatial information, amino acid conservation, physicochemical variation, residue mobility, and thermodynamic stability) performed at Invitae indicates that this missense variant is not expected to disrupt SMC1A protein function with a negative predictive value of 80%. In summary, the available evidence is currently insufficient to determine the role of this variant in disease. Therefore, it has been classified as a Variant of Uncertain Significance.